The following is an entry in ClinVar:

NC_000009.12:g.35658118T>C

Gene: RMRP (RNA component of mitochondrial RNA processing endoribonuclease; minus strand). Cytogenetic location: 9p13.3.
Variant type: single nucleotide variant.
Genome position: GRCh38 VCF-style: chr9-35658118-T-C. GRCh37 (hg19) VCF-style: chr9-35658115-T-C.
Identifiers: ClinVar variation 1383960 (VCV001383960.3), dbSNP rs1234835649, ClinGen allele CA863579156.

ClinVar aggregate classification (germline): Uncertain significance (1 of 4 stars; one submission).

Conditions:
Anauxetic dysplasia. Identifiers: Orphanet 93347, MedGen C1846796, MONDO:0011773.

Allele frequency attached by ClinVar (database versions not stated): gnomAD 0.00001; TOPMed 0.00001.

Submission:

Labcorp Genetics (formerly Invitae), Labcorp
Classification: Uncertain significance for Anauxetic dysplasia. Last evaluated: 2021-11-30. Review status: criteria provided, single submitter. Criteria: Invitae Variant Classification Sherloc (09022015). Collection method: clinical testing. Allele origin: germline.
Comment: This variant occurs in the RMRP gene, which encodes an RNA molecule that does not result in a protein product. This variant is not present in population databases (gnomAD no frequency). This variant has not been reported in the literature in individuals affected with RMRP-related conditions. Experimental studies and prediction algorithms are not available or were not evaluated, and the functional significance of this variant is currently unknown. In summary, the available evidence is currently insufficient to determine the role of this variant in disease. Therefore, it has been classified as a Variant of Uncertain Significance.